The following is an entry in ClinVar:

ClinVar aggregate classification (germline): Likely benign (1 of 4 stars; one submission).

Submission:

Laboratory for Molecular Medicine, Mass General Brigham Personalized Medicine
Classification: Likely benign. Last evaluated: 2012-02-15. Review status: criteria provided, single submitter. Criteria: LMM Criteria. Collection method: clinical testing. Allele origin: germline. Observed: 1 variant allele.
Comment: -54C>T in the 5'UTR of KRAS: This variant is located in the 5'UTR and variants i n regulatory regions could have an effect on transcriptional or translational ef ficiency. However, no variants in this region of KRAS have been found to be path ogenic in individuals with Noonan spectrum disorders. Therefore, this variant is not expected to have clinical significance.

NM_004985.5(KRAS):c.-54C>T

Genes: KRAS (KRAS proto-oncogene, GTPase; minus strand), LOC130007561 (ATAC-STARR-seq lymphoblastoid silent region 4294; plus strand). Cytogenetic location: 12p12.1.
Variant type: single nucleotide variant.
Coding change: c.-54C>T on transcript NM_004985.5 (MANE Select); 54 bases upstream of the start codon, C replaced by T.
Molecular consequence: 5 prime UTR variant.
Genome position (GRCh38, 1-based): chr12:25,250,793, G>A on the plus strand (C>T on the coding strand, the complement: KRAS is on the minus strand). VCF-style: chr12-25250793-G-A. GRCh37 (hg19) VCF-style: chr12-25403727-G-A.
Other names: c.-41C>T (NM_001369786.1, NM_001369787.1); c.-54C>T (NM_033360.4).
Identifiers: ClinVar variation 45113 (VCV000045113.4), dbSNP rs397517036, ClinGen allele CA135548.